The following is an entry in ClinVar:

NM_001852.4(COL9A2):c.927T>G (p.Asp309Glu)

Gene: COL9A2 (collagen type IX alpha 2 chain; minus strand). Cytogenetic location: 1p34.2.
Variant type: single nucleotide variant.
Coding change: c.927T>G on transcript NM_001852.4 (MANE Select); coding-DNA position 927, T replaced by G.
Protein change: p.Asp309Glu; replaces aspartic acid 309 with glutamic acid.
Molecular consequence: missense variant.
Genome position (GRCh38, 1-based): chr1:40,307,730, A>C on the plus strand (T>G on the coding strand, the complement: COL9A2 is on the minus strand). VCF-style: chr1-40307730-A-C. GRCh37 (hg19) VCF-style: chr1-40773402-A-C.
Other names: short protein forms D309E.
Identifiers: ClinVar variation 874398 (VCV000874398.22), dbSNP rs200290031, ClinGen allele CA791668.

ClinVar aggregate classification (germline): Conflicting classifications of pathogenicity. Review status: criteria provided, conflicting classifications (1 of 4 stars). 6 submissions from 6 submitters: Uncertain significance (3); Likely benign (3). Last evaluated 2026-02-01.

Conditions:
COL9A2-related disorder. Also called: COL9A2-related condition.
Epiphyseal dysplasia, multiple, 2 (EDM2). Also called: COL9A2-Related Multiple Epiphyseal Dysplasia. Identifiers: MedGen C1838429, MONDO:0010844, OMIM 600204.
Inborn genetic diseases. Identifiers: MedGen C0950123, MeSH D030342.

Allele frequency attached by ClinVar (database versions not stated): TOPMed 0.00034; gnomAD 0.00042 and 0.00046; gnomAD exomes 0.00049; ExAC 0.00062.

Submissions (6):

Labcorp Genetics (formerly Invitae), Labcorp
Classification: Likely benign. Last evaluated: 2026-02-01. Review status: criteria provided, single submitter. Criteria: Invitae Variant Classification Sherloc (09022015). Collection method: clinical testing. Allele origin: germline.

GeneDx
Classification: Uncertain significance. Last evaluated: 2025-09-30. Review status: criteria provided, single submitter. Criteria: GeneDx Variant Classification Process June 2021. Collection method: clinical testing. Allele origin: germline. Affected: yes.
Comment: In silico analysis suggests that this missense variant does not alter protein structure/function; Has not been previously published as pathogenic or benign to our knowledge

PreventionGenetics, part of Exact Sciences
Classification: Uncertain significance for COL9A2-related condition. Last evaluated: 2025-09-04. Review status: criteria provided, single submitter. Criteria: ACMG Guidelines, 2015. Collection method: clinical testing. Allele origin: germline.
Comment: The COL9A2 c.927T>G variant is predicted to result in the amino acid substitution p.Asp309Glu. To our knowledge, this variant has not been reported in the literature. This variant is reported in 0.12% of alleles in individuals of European (Finnish) descent in gnomAD. Although we suspect that this variant may be benign, at this time, the clinical significance of this variant is uncertain due to the absence of conclusive functional and genetic evidence.

Ambry Genetics
Classification: Uncertain significance for Inborn genetic diseases. Last evaluated: 2025-05-13. Review status: criteria provided, single submitter. Criteria: Ambry Variant Classification Scheme 2023. Collection method: clinical testing. Allele origin: germline.

Blueprint Genetics
Classification: Likely benign. Last evaluated: 2024-11-06. Review status: criteria provided, single submitter. Criteria: ACMG Guidelines, 2015. Collection method: clinical testing. Allele origin: germline.

Illumina Laboratory Services, Illumina
Classification: Likely benign for Epiphyseal dysplasia, multiple, 2. Last evaluated: 2018-01-13. Review status: criteria provided, single submitter. Criteria: ICSL Variant Classification Criteria 13 December 2019. Collection method: clinical testing. Allele origin: germline.
Comment: This variant was observed in the ICSL laboratory as part of a predisposition screen in an ostensibly healthy population. It had not been previously curated by ICSL or reported in the Human Gene Mutation Database (HGMD: prior to June 1st, 2018), and was therefore a candidate for classification through an automated scoring system. Utilizing variant allele frequency, disease prevalence and penetrance estimates, and inheritance mode, an automated score was calculated to assess if this variant is too frequent to cause the disease. Based on the score and internal cut-off values, a variant classified as likely benign is not then subjected to further curation. The score for this variant resulted in a classification of likely benign for this disease.